The following is an entry in ClinVar:

NM_018463.4(ITFG2):c.425A>G (p.Glu142Gly)

Gene: ITFG2 (integrin alpha FG-GAP repeat containing 2; plus strand). Cytogenetic location: 12p13.33.
Variant type: single nucleotide variant.
Coding change: c.425A>G on transcript NM_018463.4 (MANE Select); coding-DNA position 425, A replaced by G.
Protein change: p.Glu142Gly; replaces glutamic acid 142 with glycine.
Molecular consequence: missense variant. On other transcripts: non-coding transcript variant (2).
Genome position (GRCh38, 1-based): chr12:2,820,104, A>G. VCF-style: chr12-2820104-A-G. GRCh37 (hg19) VCF-style: chr12-2929270-A-G.
Other names: short protein forms E142G.
Identifiers: ClinVar variation 432256 (VCV000432256.7), dbSNP rs778087371, ClinGen allele CA6390814.
Genomic context (GRCh38, chr12:2,820,104, plus strand): 5'-CTCGTGGGACTCCAGAGCCCATCTTGTCTTTCATGCCCACAGATGGAGATGGGTGTCGTG[A>G]GCTGGTGGTGGGCTACACAGACCGTGTGGTGCGAGCTTTCCGCTGGGAGGAGCTAGGTGA-3'
Protein context (NP_060933.3, residues 132-152): ISDIDGDGCR[Glu142Gly]LVVGYTDRVV

ClinVar aggregate classification (germline): Uncertain significance. Review status: criteria provided, multiple submitters, no conflicts (2 of 4 stars). 2 submissions from 2 submitters: Uncertain significance (2). Last evaluated 2026-01-20.

Allele frequency attached by ClinVar (database versions not stated): gnomAD 0.00001; ExAC 0.00003; gnomAD exomes 0.00003 and 0.00006; TOPMed 0.00003.
gnomAD v4.1: 17 of 1,611,428 alleles (0.0011%); highest among the groups gnomAD compares: Admixed American, 0.029%; no homozygotes.

Submissions (2):

GeneDx
Classification: Uncertain significance. Last evaluated: 2026-01-20. Review status: criteria provided, single submitter. Criteria: GeneDx Variant Classification Process June 2021. Collection method: clinical testing. Allele origin: germline. Affected: yes.
Comment: In silico analysis supports that this missense variant has a deleterious effect on protein structure/function; Has not been previously published as pathogenic or benign to our knowledge; Variants in candidate genes are classified as variants of uncertain significance in accordance with ACMG guidelines (PMID: 25741868)

Ambry Genetics
Classification: Uncertain significance. Last evaluated: 2025-09-11. Review status: criteria provided, single submitter. Criteria: Ambry Variant Classification Scheme 2023. Collection method: clinical testing. Allele origin: germline.